The following is an entry in ClinVar:

ClinVar aggregate classification (germline): Likely benign (0 of 4 stars; one submission).

Conditions:
ITSN1-related disorder. Also called: ITSN1-related condition.

Submission:

PreventionGenetics, part of Exact Sciences
Classification: Likely benign for ITSN1-related condition. Last evaluated: 2022-05-25. Review status: no assertion criteria provided. Collection method: clinical testing. Allele origin: germline.
Comment: This variant is classified as likely benign based on ACMG/AMP sequence variant interpretation guidelines (Richards et al. 2015 PMID: 25741868, with internal and published modifications).

NM_003024.3(ITSN1):c.813T>C (p.Asp271=)

Gene: ITSN1 (intersectin 1; plus strand). Cytogenetic location: 21q22.11.
Variant type: single nucleotide variant.
Coding change: c.813T>C on transcript NM_003024.3 (MANE Select); coding-DNA position 813, T replaced by C.
Protein change: p.Asp271=; no amino-acid change (aspartic acid 271 retained).
Molecular consequence: synonymous variant.
Genome position (GRCh38, 1-based): chr21:33,765,899, T>C. VCF-style: chr21-33765899-T-C. GRCh37 (hg19) VCF-style: chr21-35138203-T-C.
Other names: c.813T>C, p.Asp271= (NM_001001132.2, NM_001331008.2, NM_001331009.2 and 2 more transcripts); c.702T>C, p.Asp234= (NM_001331012.2).
Identifiers: ClinVar variation 3044204 (VCV003044204.2), dbSNP rs2068690156, ClinGen allele CA512201079.
Genomic context (GRCh38, chr21:33,765,899, plus strand): 5'-ATGAAACCGGATTACAGTTAACTTTTTGTTGAATAGGAATCTTTCTGACATTGATCAAGA[T>C]GGAAAACTTACAGCAGAGGAATTTATCCTGGCAATGCACCTCATTGATGTAGCTATGTCT-3'
Protein context (NP_003015.2, residues 261-281): SIWNLSDIDQ[Asp271=]GKLTAEEFIL